The following is an entry in ClinVar:

NM_153460.4(IL17RC):c.1540G>A (p.Ala514Thr)

Gene: IL17RC (interleukin 17 receptor C; plus strand). Cytogenetic location: 3p25.3.
Variant type: single nucleotide variant.
Coding change: c.1540G>A on transcript NM_153460.4 (MANE Select); coding-DNA position 1540, G replaced by A.
Protein change: p.Ala514Thr; replaces alanine 514 with threonine.
Molecular consequence: missense variant. On other transcripts: non-coding transcript variant (1).
Genome position (GRCh38, 1-based): chr3:9,932,970, G>A. VCF-style: chr3-9932970-G-A. GRCh37 (hg19) VCF-style: chr3-9974654-G-A.
Other names: c.1753G>A, p.Ala585Thr (NM_153461.4); c.1501G>A, p.Ala501Thr (NM_001203263.2); c.1450G>A, p.Ala484Thr (NM_001203264.2); c.1444G>A, p.Ala482Thr (NM_001203265.2); c.1462G>A, p.Ala488Thr (NM_001367278.1); c.1381G>A, p.Ala461Thr (NM_001367279.1); c.1456G>A, p.Ala486Thr (NM_001367280.1); c.1405G>A, p.Ala469Thr (NM_001410711.1); and 1 more; short protein forms A499T, A488T, A501T, A484T, A486T, A514T, A461T, A469T.
Identifiers: ClinVar variation 3528610 (VCV003528610.3).

ClinVar aggregate classification (germline): Uncertain significance. Review status: criteria provided, multiple submitters, no conflicts (2 of 4 stars). 2 submissions from 2 submitters: Uncertain significance (2). Last evaluated 2024-07-26.

Conditions:
Candidiasis, familial, 9 (CANDF9). Identifiers: Orphanet 1334, MedGen C4225324, MONDO:0014642, OMIM 616445.

Submissions (2):

Ambry Genetics
Classification: Uncertain significance. Last evaluated: 2024-07-26. Review status: criteria provided, single submitter. Criteria: Ambry Variant Classification Scheme 2023. Collection method: clinical testing. Allele origin: germline.

Labcorp Genetics (formerly Invitae), Labcorp
Classification: Uncertain significance for Candidiasis, familial, 9. Last evaluated: 2024-06-22. Review status: criteria provided, single submitter. Criteria: Invitae Variant Classification Sherloc (09022015). Collection method: clinical testing. Allele origin: germline.
Comment: This sequence change replaces alanine, which is neutral and non-polar, with threonine, which is neutral and polar, at codon 585 of the IL17RC protein (p.Ala585Thr). This variant is present in population databases (rs781344721, gnomAD 0.003%). This variant has not been reported in the literature in individuals affected with IL17RC-related conditions. Algorithms developed to predict the effect of missense changes on protein structure and function output the following: SIFT: "Not Available"; PolyPhen-2: "Benign"; Align-GVGD: "Not Available". The threonine amino acid residue is found in multiple mammalian species, which suggests that this missense change does not adversely affect protein function. In summary, the available evidence is currently insufficient to determine the role of this variant in disease. Therefore, it has been classified as a Variant of Uncertain Significance.